The following is an entry in ClinVar:

NM_001371596.2(MFSD8):c.767A>C (p.Glu256Ala)

Gene: MFSD8 (major facilitator superfamily domain containing 8; minus strand). Cytogenetic location: 4q28.2.
Variant type: single nucleotide variant.
Coding change: c.767A>C on transcript NM_001371596.2 (MANE Select); coding-DNA position 767, A replaced by C.
Protein change: p.Glu256Ala; replaces glutamic acid 256 with alanine.
Molecular consequence: missense variant.
Genome position (GRCh38, 1-based): chr4:127,933,081, T>G on the plus strand (A>C on the coding strand, the complement: MFSD8 is on the minus strand). VCF-style: chr4-127933081-T-G. GRCh37 (hg19) VCF-style: chr4-128854236-T-G.
Other names: c.566A>C, p.Glu189Ala (NM_001363520.3); c.452A>C, p.Glu151Ala (NM_001363521.3); c.632A>C, p.Glu211Ala (NM_001371590.2); c.767A>C, p.Glu256Ala (NM_001371591.2, NM_152778.4); c.773A>C, p.Glu258Ala (NM_001371592.2); c.653A>C, p.Glu218Ala (NM_001371593.2, NM_001410766.1); c.620A>C, p.Glu207Ala (NM_001371594.2); c.485A>C, p.Glu162Ala (NM_001371595.1); and 1 more; short protein forms E151A, E258A, E162A, E189A, E207A, E256A, E211A, E218A.
Identifiers: ClinVar variation 959258 (VCV000959258.9), dbSNP rs763119554, ClinGen allele CA3077376.

ClinVar aggregate classification (germline): Uncertain significance. Review status: criteria provided, multiple submitters, no conflicts (2 of 4 stars). 2 submissions from 2 submitters: Uncertain significance (2). Last evaluated 2024-09-12.

Conditions:
Neuronal ceroid lipofuscinosis 7 (CLN7). Also called: MFSD8-Related Neuronal Ceroid-Lipofuscinosis. Identifiers: Orphanet 168491, Orphanet 228366, MedGen C1838571, MONDO:0012588, OMIM 610951.

Allele frequency attached by ClinVar (database versions not stated): gnomAD exomes 0.00001; gnomAD 0.00004; ExAC 0.00002; TOPMed 0.00002.
gnomAD v4.1: 7 of 1,613,414 alleles (0.00043%); highest among the groups gnomAD compares: African/African-American, 0.0093%; no homozygotes.

Submissions (2):

GeneDx
Classification: Uncertain significance. Last evaluated: 2024-09-12. Review status: criteria provided, single submitter. Criteria: GeneDx Variant Classification Process June 2021. Collection method: clinical testing. Allele origin: germline. Affected: yes.
Comment: Not observed at significant frequency in large population cohorts (gnomAD); In silico analysis indicates that this missense variant does not alter protein structure/function; Has not been previously published as pathogenic or benign to our knowledge

Labcorp Genetics (formerly Invitae), Labcorp
Classification: Uncertain significance for Neuronal ceroid lipofuscinosis 7. Last evaluated: 2023-12-17. Review status: criteria provided, single submitter. Criteria: Invitae Variant Classification Sherloc (09022015). Collection method: clinical testing. Allele origin: germline.
Comment: This sequence change replaces glutamic acid, which is acidic and polar, with alanine, which is neutral and non-polar, at codon 256 of the MFSD8 protein (p.Glu256Ala). This variant is present in population databases (rs763119554, gnomAD 0.01%). This variant has not been reported in the literature in individuals affected with MFSD8-related conditions. ClinVar contains an entry for this variant (Variation ID: 959258). Advanced modeling of protein sequence and biophysical properties (such as structural, functional, and spatial information, amino acid conservation, physicochemical variation, residue mobility, and thermodynamic stability) performed at Invitae indicates that this missense variant is not expected to disrupt MFSD8 protein function with a negative predictive value of 80%. In summary, the available evidence is currently insufficient to determine the role of this variant in disease. Therefore, it has been classified as a Variant of Uncertain Significance.